The following is an entry in ClinVar:

ClinVar aggregate classification (germline): Uncertain significance (1 of 4 stars; one submission).

Conditions:
SCP2-related disorder. Also called: SCP2-related condition.

Submission:

PreventionGenetics, part of Exact Sciences
Classification: Uncertain significance for SCP2-related condition. Last evaluated: 2025-05-28. Review status: criteria provided, single submitter. Criteria: ACMG Guidelines, 2015. Collection method: clinical testing. Allele origin: germline.
Comment: The SCP2 c.985A>G variant is predicted to result in the amino acid substitution p.Thr329Ala. To our knowledge, this variant has not been reported in the literature or in a large population database (gnomAD), indicating this variant is rare. At this time, the clinical significance of this variant is uncertain due to the absence of conclusive functional and genetic evidence.

NM_002979.5(SCP2):c.985A>G (p.Thr329Ala)

Gene: SCP2 (sterol carrier protein 2; plus strand). Cytogenetic location: 1p32.3.
Variant type: single nucleotide variant.
Coding change: c.985A>G on transcript NM_002979.5 (MANE Select); coding-DNA position 985, A replaced by G.
Protein change: p.Thr329Ala; replaces threonine 329 with alanine.
Molecular consequence: missense variant.
Genome position (GRCh38, 1-based): chr1:52,988,040, A>G. VCF-style: chr1-52988040-A-G. GRCh37 (hg19) VCF-style: chr1-53453712-A-G.
Other names: c.853A>G, p.Thr285Ala (NM_001007098.3, NM_001193600.2); c.913A>G, p.Thr305Ala (NM_001193599.2); c.742A>G, p.Thr248Ala (NM_001193617.2); c.985A>G, p.Thr329Ala (NM_001330587.2); short protein forms T248A, T285A, T305A, T329A.
Identifiers: ClinVar variation 4997974 (VCV004997974.1).
Genomic context (GRCh38, chr1:52,988,040, plus strand): 5'-GTTCTATTGTTACTATTAATATTTGTGAATACTATTTTTTCTTCTATAGGACAAGGTGCA[A>G]CGCTGGTTGATAGAGGAGATAATACATATGGAGGAAAGTGGGTCATAAATCCTAGTGGTG-3'
Protein context (NP_002970.2, residues 319-339): LGLCPEGQGA[Thr329Ala]LVDRGDNTYG